The following is an entry in ClinVar:

ClinVar aggregate classification (germline): Uncertain significance (1 of 4 stars; one submission).

Allele frequency attached by ClinVar (database versions not stated): gnomAD exomes below 0.00001; gnomAD 0.00001; TOPMed 0.00001.
gnomAD v4.1: 5 of 1,613,352 alleles (0.00031%); highest among the groups gnomAD compares: East Asian, 0.0045%; no homozygotes.

Submission:

Labcorp Genetics (formerly Invitae), Labcorp
Classification: Uncertain significance. Last evaluated: 2021-12-13. Review status: criteria provided, single submitter. Criteria: Invitae Variant Classification Sherloc (09022015). Collection method: clinical testing. Allele origin: germline.
Comment: This variant is not present in population databases (gnomAD no frequency). In summary, the available evidence is currently insufficient to determine the role of this variant in disease. Therefore, it has been classified as a Variant of Uncertain Significance. Algorithms developed to predict the effect of missense changes on protein structure and function output the following: SIFT: "Tolerated"; PolyPhen-2: "Benign"; Align-GVGD: "Class C0". The alanine amino acid residue is found in multiple mammalian species, which suggests that this missense change does not adversely affect protein function. This variant has not been reported in the literature in individuals affected with CDK5RAP2-related conditions. This sequence change replaces threonine, which is neutral and polar, with alanine, which is neutral and non-polar, at codon 371 of the CDK5RAP2 protein (p.Thr371Ala).

NM_018249.6(CDK5RAP2):c.1111A>G (p.Thr371Ala)

Gene: CDK5RAP2 (CDK5 regulatory subunit associated protein 2; minus strand). Cytogenetic location: 9q33.2.
Variant type: single nucleotide variant.
Coding change: c.1111A>G on transcript NM_018249.6 (MANE Select); coding-DNA position 1111, A replaced by G.
Protein change: p.Thr371Ala; replaces threonine 371 with alanine.
Molecular consequence: missense variant. On other transcripts: non-coding transcript variant (5).
Genome position (GRCh38, 1-based): chr9:120,518,627, T>C on the plus strand (A>G on the coding strand, the complement: CDK5RAP2 is on the minus strand). VCF-style: chr9-120518627-T-C. GRCh37 (hg19) VCF-style: chr9-123280905-T-C.
Other names: c.1111A>G, p.Thr371Ala (NM_001011649.3, NM_001272039.2, NM_001410992.1 and 2 more transcripts); short protein forms T371A.
Identifiers: ClinVar variation 2075205 (VCV002075205.3), dbSNP rs1162033140, ClinGen allele CA374699672.